The following is an entry in ClinVar:

NM_003072.5(SMARCA4):c.606G>A (p.Met202Ile)

Gene: SMARCA4 (SWI/SNF related BAF chromatin remodeling complex subunit ATPase 4; plus strand). Cytogenetic location: 19p13.2.
Variant type: single nucleotide variant.
Coding change: c.606G>A on transcript NM_003072.5 (MANE Select); coding-DNA position 606, G replaced by A.
Protein change: p.Met202Ile; replaces methionine 202 with isoleucine.
Molecular consequence: missense variant. On other transcripts: non-coding transcript variant (1).
Genome position (GRCh38, 1-based): chr19:10,986,439, G>A. VCF-style: chr19-10986439-G-A. GRCh37 (hg19) VCF-style: chr19-11097115-G-A.
Other names: c.606G>A, p.Met202Ile (NM_001128844.3, NM_001128845.2, NM_001128846.2 and 4 more transcripts); short protein forms M202I.
Identifiers: ClinVar variation 816862 (VCV000816862.9), dbSNP rs2086039435, ClinGen allele CA404056548.

ClinVar aggregate classification (germline): Uncertain significance. Review status: criteria provided, single submitter (1 of 4 stars). 2 submissions from 2 submitters: Uncertain significance (1). 1 of the submissions does not count toward it. Last evaluated 2021-12-17.

Conditions:
Global developmental delay (DD). Also called: Cognitive delay. Identifiers: MedGen C0557874, HP:0001263. Disease mechanism: loss of function.
Rhabdoid tumor predisposition syndrome 2 (RTPS2). Identifiers: Orphanet 231108, Orphanet 69077, MedGen C2750074, MONDO:0013224, OMIM 613325.

Submissions (2):

Labcorp Genetics (formerly Invitae), Labcorp
Classification: Uncertain significance for Rhabdoid tumor predisposition syndrome 2. Last evaluated: 2021-12-17. Review status: criteria provided, single submitter. Criteria: Invitae Variant Classification Sherloc (09022015). Collection method: clinical testing. Allele origin: germline.
Comment: This sequence change replaces methionine, which is neutral and non-polar, with isoleucine, which is neutral and non-polar, at codon 202 of the SMARCA4 protein (p.Met202Ile). In summary, the available evidence is currently insufficient to determine the role of this variant in disease. Therefore, it has been classified as a Variant of Uncertain Significance. Algorithms developed to predict the effect of missense changes on protein structure and function are either unavailable or do not agree on the potential impact of this missense change (SIFT: "Tolerated"; PolyPhen-2: "Possibly Damaging"; Align-GVGD: "Class C0"). ClinVar contains an entry for this variant (Variation ID: 816862). This variant has not been reported in the literature in individuals affected with SMARCA4-related conditions. This variant is not present in population databases (gnomAD no frequency).

Center for Molecular Medicine, Children’s Hospital of Fudan University
Classification: Uncertain significance for Global developmental delay. Last evaluated: 2020-02-25. Review status: no assertion criteria provided. Collection method: clinical testing. Allele origin: unknown. Affected: yes. Not counted in ClinVar's aggregate classification.